The following is an entry in ClinVar:

ClinVar aggregate classification (germline): Pathogenic (1 of 4 stars; one submission).

Conditions:
Glycine encephalopathy. Also called: Nonketotic hyperglycinemia; Non-ketotic hyperglycinemia. Identifiers: Orphanet 407, MedGen C0751748, MONDO:0011612, HP:0008288.

Submission:

Labcorp Genetics (formerly Invitae), Labcorp
Classification: Pathogenic for Glycine encephalopathy. Last evaluated: 2019-10-30. Review status: criteria provided, single submitter. Criteria: Invitae Variant Classification Sherloc (09022015). Collection method: clinical testing. Allele origin: germline.
Comment: For these reasons, this variant has been classified as Pathogenic. Loss-of-function variants in GLDC are known to be pathogenic (PMID: 16601880). This variant has not been reported in the literature in individuals with GLDC-related conditions. This variant is not present in population databases (ExAC no frequency). This sequence change creates a premature translational stop signal (p.Leu324Hisfs*19) in the GLDC gene. It is expected to result in an absent or disrupted protein product.

Literature cited by the submitters: PubMed 16601880.

NM_000170.3(GLDC):c.969_970dup (p.Leu324fs)

Gene: GLDC (glycine decarboxylase; minus strand). Cytogenetic location: 9p24.1.
Variant type: Duplication.
Coding change: c.969_970dup on transcript NM_000170.3 (MANE Select); coding-DNA positions 969 to 970, 2 bases duplicated (AC; older notation c.969_970dupAC).
Protein change: p.Leu324fs; shifts the reading frame from leucine 324.
Molecular consequence: frameshift variant.
Genome position (GRCh38, 1-based): chr9:6,604,676-6,604,677, GT duplicated on the plus strand (AC on the coding strand, the reverse complement: GLDC is on the minus strand); duplicating any 2 consecutive bases within chr9:6,604,676-6,604,678 gives the same sequence; the c. name uses the placement nearest the transcript's 3' end. VCF-style (leftmost placement, unchanged base first): chr9-6604675-A-AGT. GRCh37 (hg19) VCF-style: chr9-6604675-A-AGT.
Other names: short protein forms L324fs.
Identifiers: ClinVar variation 953835 (VCV000953835.8), dbSNP rs1818693456, ClinGen allele CA1139660883.